The following is an entry in ClinVar:

NM_000051.4(ATM):c.2723T>C (p.Val908Ala)

Gene: ATM (ATM serine/threonine kinase; plus strand). Cytogenetic location: 11q22.3.
Variant type: single nucleotide variant.
Coding change: c.2723T>C on transcript NM_000051.4 (MANE Select); coding-DNA position 2723, T replaced by C.
Protein change: p.Val908Ala; replaces valine 908 with alanine.
Molecular consequence: missense variant.
Genome position (GRCh38, 1-based): chr11:108,268,494, T>C. VCF-style: chr11-108268494-T-C. GRCh37 (hg19) VCF-style: chr11-108139221-T-C.
Other names: c.2723T>C, p.Val908Ala (NM_001351834.2); short protein forms V908A.
Identifiers: ClinVar variation 246496 (VCV000246496.25), dbSNP rs754738085, ClinGen allele CA10584334.
Genomic context (GRCh38, chr11:108,268,494, plus strand): 5'-AATATCTGTCAAAGCAAGATCTACTTTTCTTAGACATGCTCAAGTTCTTGTGTTTGTGTG[T>C]AACTACTGCTCAGACCAATACTGTGTCCTTTAGGGCAGCTGATATTCGGAGGAAATTGTT-3'
Protein context (NP_000042.3, residues 898-918): LDMLKFLCLC[Val908Ala]TTAQTNTVSF

ClinVar aggregate classification (germline): Uncertain significance. Review status: criteria provided, multiple submitters, no conflicts (2 of 4 stars). 9 submissions from 9 submitters: Uncertain significance (6). 3 of the submissions do not count toward it. Last evaluated 2025-05-13.

Conditions:
Hereditary cancer-predisposing syndrome. Also called: Neoplastic Syndromes, Hereditary; Tumor predisposition; Hereditary neoplastic syndrome; Hereditary Cancer Syndrome. Identifiers: Orphanet 140162, MedGen C0027672, MeSH D009386, MONDO:0015356.
Familial cancer of breast. Also called: BREAST CANCER, FAMILIAL; Hereditary breast cancer; hereditary breast carcinoma. Identifiers: Orphanet 227535, MedGen C0346153, MONDO:0016419, OMIM 114480. Disease mechanism: loss of function.
Ataxia-telangiectasia syndrome (AT). Also called: Cerebello-oculocutaneous telangiectasia; Immunodeficiency with ataxia telangiectasia; Ataxia-telangiectasia; Ataxia telangiectasia (A-T); LOUIS-BAR SYNDROME; Ataxia-telangiectasia, complementation group D. Identifiers: Orphanet 100, MedGen C0004135, MONDO:0008840, OMIM 208900.

Allele frequency attached by ClinVar (database versions not stated): gnomAD exomes 0.00002.
gnomAD v4.1: 24 of 1,614,126 alleles (0.0015%); highest among the groups gnomAD compares: Non-Finnish European, 0.002%; no homozygotes.

Submissions (9):

Labcorp Genetics (formerly Invitae), Labcorp
Classification: Uncertain significance for Ataxia-telangiectasia syndrome. Last evaluated: 2025-05-13. Review status: criteria provided, single submitter. Criteria: Invitae Variant Classification Sherloc (09022015). Collection method: clinical testing. Allele origin: germline.
Comment: This sequence change replaces valine, which is neutral and non-polar, with alanine, which is neutral and non-polar, at codon 908 of the ATM protein (p.Val908Ala). This variant is not present in population databases (gnomAD no frequency). This variant has not been reported in the literature in individuals affected with ATM-related conditions. ClinVar contains an entry for this variant (Variation ID: 246496). Invitae Evidence Modeling of protein sequence and biophysical properties (such as structural, functional, and spatial information, amino acid conservation, physicochemical variation, residue mobility, and thermodynamic stability) indicates that this missense variant is not expected to disrupt ATM protein function with a negative predictive value of 95%. In summary, the available evidence is currently insufficient to determine the role of this variant in disease. Therefore, it has been classified as a Variant of Uncertain Significance.

Ambry Genetics
Classification: Uncertain significance for Hereditary cancer-predisposing syndrome. Last evaluated: 2025-04-11. Review status: criteria provided, single submitter. Criteria: Ambry Variant Classification Scheme 2023. Collection method: clinical testing. Allele origin: germline.
Comment: The p.V908A variant (also known as c.2723T>C), located in coding exon 17 of the ATM gene, results from a T to C substitution at nucleotide position 2723. The valine at codon 908 is replaced by alanine, an amino acid with similar properties. This alteration has been reported in at least one subject in a study of 13087 breast cancer cases and 5488 control individuals in the UK (Decker B et al. J Med Genet, 2017 11;54:732-741). This amino acid position is well conserved in available vertebrate species. In addition, this alteration is predicted to be tolerated by in silico analysis. Based on the available evidence, the clinical significance of this variant remains unclear.

Baylor Genetics
Classification: Uncertain significance for Familial cancer of breast. Last evaluated: 2023-12-30. Review status: criteria provided, single submitter. Criteria: ACMG Guidelines, 2015. Collection method: clinical testing. Allele origin: unknown.

Color Diagnostics, LLC DBA Color Health
Classification: Uncertain significance for Hereditary cancer-predisposing syndrome. Last evaluated: 2021-12-14. Review status: criteria provided, single submitter. Criteria: ACMG Guidelines, 2015. Collection method: clinical testing. Allele origin: germline.
Comment: This missense variant replaces valine with alanine at codon 908 of the ATM protein. Computational prediction suggests that this variant may not impact protein structure and function (internally defined REVEL score threshold <= 0.5, PMID: 27666373). To our knowledge, functional studies have not been reported for this variant. In a large international case-control study, this variant was reported in 2/60464 breast cancer cases and 2/53459 controls (OR=0.884, 95%CI 0.125 to 6.277, p-value=1; PMID: 33471991). This variant has not been identified in the general population by the Genome Aggregation Database (gnomAD). The available evidence is insufficient to determine the role of this variant in disease conclusively. Therefore, this variant is classified as a Variant of Uncertain Significance.

Fulgent Genetics
Classification: Uncertain significance for Familial cancer of breast; Ataxia-telangiectasia syndrome. Last evaluated: 2021-08-04. Review status: criteria provided, single submitter. Criteria: ACMG Guidelines, 2015. Collection method: clinical testing. Allele origin: unknown.

GeneDx
Classification: Uncertain significance. Last evaluated: 2016-03-09. Review status: criteria provided, single submitter. Criteria: GeneDx Variant Classification (06012015). Collection method: clinical testing. Allele origin: germline. Affected: yes.
Comment: This variant is denoted ATM c.2723T>C at the cDNA level, p.Val908Ala (V908A) at the protein level, and results in the change of a Valine to an Alanine (GTA>GCA). This variant has not, to our knowledge, been published in the literature as pathogenic or benign. ATM Val908Ala was not observed in approximately 6,500 individuals of European and African American ancestry in the NHLBI Exome Sequencing Project, suggesting it is not a common benign variant in these populations. Since Valine and Alanine share similar properties, this is considered a conservative amino acid substitution. ATM Val908Ala occurs at a position where amino acids with properties similar to Valine are tolerated across species and is not located in a known functional domain (Tavtigian 2009, Stracker 2013). In silico analyses predict that this variant is unlikely to alter protein structure or function. Based on currently available evidence, it is unclear whether ATM Val908Ala is a pathogenic or benign variant. We consider it to be a variant of uncertain significance.

Natera, Inc.
Classification: Uncertain significance for Ataxia-telangiectasia. Last evaluated: 2020-09-16. Review status: no assertion criteria provided. Collection method: clinical testing. Allele origin: germline. Not counted in ClinVar's aggregate classification.

Clinical Genetics DNA and cytogenetics Diagnostics Lab, Erasmus MC, Erasmus Medical Center
Classification: Likely benign. Review status: no assertion criteria provided. Collection method: clinical testing. Allele origin: germline. Affected: yes. Study: VKGL Data-share Consensus. Not counted in ClinVar's aggregate classification.

Joint Genome Diagnostic Labs from Nijmegen and Maastricht, Radboudumc and MUMC+
Classification: Likely benign. Review status: no assertion criteria provided. Collection method: clinical testing. Allele origin: germline. Affected: yes. Study: VKGL Data-share Consensus. Not counted in ClinVar's aggregate classification.

Literature cited by the submitters: PubMed 28779002 (cited by Ambry Genetics).